The following is an entry in ClinVar:

NM_138576.4(BCL11B):c.1826A>G (p.Gln609Arg)

Gene: BCL11B (BCL11 transcription factor B; minus strand). Cytogenetic location: 14q32.2.
Variant type: single nucleotide variant.
Coding change: c.1826A>G on transcript NM_138576.4 (MANE Select); coding-DNA position 1826, A replaced by G.
Protein change: p.Gln609Arg; replaces glutamine 609 with arginine.
Molecular consequence: missense variant.
Genome position (GRCh38, 1-based): chr14:99,175,010, T>C on the plus strand (A>G on the coding strand, the complement: BCL11B is on the minus strand). VCF-style: chr14-99175010-T-C. GRCh37 (hg19) VCF-style: chr14-99641347-T-C.
Other names: c.1823A>G, p.Gln608Arg (NM_001282237.2); c.1610A>G, p.Gln537Arg (NM_001282238.2); c.1613A>G, p.Gln538Arg (NM_022898.3); short protein forms Q537R, Q538R, Q608R, Q609R.
Identifiers: ClinVar variation 2979847 (VCV002979847.3), dbSNP rs1318261849, ClinGen allele CA390934534.
Genomic context (GRCh38, chr14:99,175,010, plus strand): 5'-CCCGCCGCACGCTTCAGGAAGGCGCCGCGCTTCTGCTTGTCGGCCAGGAGCTCGCCGTAC[T>C]GCGGCAGTGCGCCTAGGCCCACGTTCTCCATGACCTTGCCCAGCACCAGCGCCTTCTCGT-3'
Protein context (NP_612808.1, residues 599-619): MENVGLGALP[Gln609Arg]YGELLADKQK

ClinVar aggregate classification (germline): Uncertain significance (1 of 4 stars; one submission).

Allele frequency attached by ClinVar (database versions not stated): gnomAD exomes 0.00001; TOPMed 0.00001; gnomAD 0.00002.
gnomAD v4.1: 6 of 1,591,318 alleles (0.00038%); highest among the groups gnomAD compares: African/African-American, 0.0014%; no homozygotes.

Submission:

Labcorp Genetics (formerly Invitae), Labcorp
Classification: Uncertain significance. Last evaluated: 2025-08-09. Review status: criteria provided, single submitter. Criteria: Invitae Variant Classification Sherloc (09022015). Collection method: clinical testing. Allele origin: germline.
Comment: This sequence change replaces glutamine, which is neutral and polar, with arginine, which is basic and polar, at codon 609 of the BCL11B protein (p.Gln609Arg). This variant is present in population databases (no rsID available, gnomAD 0.002%). This variant has not been reported in the literature in individuals affected with BCL11B-related conditions. ClinVar contains an entry for this variant (Variation ID: 2979847). Invitae Evidence Modeling of protein sequence and biophysical properties (such as structural, functional, and spatial information, amino acid conservation, physicochemical variation, residue mobility, and thermodynamic stability) indicates that this missense variant is not expected to disrupt BCL11B protein function with a negative predictive value of 95%. In summary, the available evidence is currently insufficient to determine the role of this variant in disease. Therefore, it has been classified as a Variant of Uncertain Significance.